The following is an entry in ClinVar:

NM_000426.4(LAMA2):c.6854C>T (p.Thr2285Ile)

Gene: LAMA2 (laminin subunit alpha 2; plus strand). Cytogenetic location: 6q22.33.
Variant type: single nucleotide variant.
Coding change: c.6854C>T on transcript NM_000426.4 (MANE Select); coding-DNA position 6854, C replaced by T.
Protein change: p.Thr2285Ile; replaces threonine 2285 with isoleucine.
Molecular consequence: missense variant.
Genome position (GRCh38, 1-based): chr6:129,456,481, C>T. VCF-style: chr6-129456481-C-T. GRCh37 (hg19) VCF-style: chr6-129777626-C-T.
Other names: c.6854C>T, p.Thr2285Ile (NM_001079823.2); short protein forms T2285I.
Identifiers: ClinVar variation 4994817 (VCV004994817.1).

ClinVar aggregate classification (germline): Uncertain significance (1 of 4 stars; one submission).

Conditions:
LAMA2-related disorder. Also called: LAMA2-related condition; LAMA2-related disorders.

Submission:

PreventionGenetics, part of Exact Sciences
Classification: Uncertain significance for LAMA2-related condition. Last evaluated: 2026-03-17. Review status: criteria provided, single submitter. Criteria: ACMG Guidelines, 2015. Collection method: clinical testing. Allele origin: germline.
Comment: The LAMA2 c.6854C>T variant is predicted to result in the amino acid substitution p.Thr2285Ile. To our knowledge, this variant has not been reported in the literature or in a large population database (gnomAD), indicating this variant is rare. At this time, the clinical significance of this variant is uncertain due to the absence of conclusive functional and genetic evidence.